The following is an entry in ClinVar:

NM_006648.4(WNK2):c.56G>A (p.Arg19His)

Gene: WNK2 (WNK lysine deficient protein kinase 2; plus strand). Cytogenetic location: 9q22.31.
Variant type: single nucleotide variant.
Coding change: c.56G>A on transcript NM_006648.4 (MANE Select); coding-DNA position 56, G replaced by A.
Protein change: p.Arg19His; replaces arginine 19 with histidine.
Molecular consequence: missense variant.
Genome position (GRCh38, 1-based): chr9:93,184,985, G>A. VCF-style: chr9-93184985-G-A. GRCh37 (hg19) VCF-style: chr9-95947267-G-A.
Other names: c.56G>A, p.Arg19His (NM_001282394.3); short protein forms R19H.
Identifiers: ClinVar variation 5031830 (VCV005031830.1).

ClinVar aggregate classification (germline): Uncertain significance (1 of 4 stars; one submission).

Submission:

Ambry Genetics
Classification: Uncertain significance. Last evaluated: 2026-07-07. Review status: criteria provided, single submitter. Criteria: Ambry Variant Classification Scheme 2023. Collection method: clinical testing. Allele origin: germline.
Comment: The p.R19H variant (also known as c.56G>A), located in coding exon 1 of the WNK2 gene, results from a G to A substitution at nucleotide position 56. The arginine at codon 19 is replaced by histidine, an amino acid with highly similar properties. This amino acid position is conserved. In addition, this alteration is predicted to be tolerated by in silico analysis. Based on the available evidence, the clinical significance of this variant remains unclear.